The following is an entry in ClinVar:

NM_001142800.2(EYS):c.7919G>A (p.Trp2640Ter)

Gene: EYS (EGF-like photoreceptor maintenance factor; minus strand). Cytogenetic location: 6q12.
Variant type: single nucleotide variant.
Coding change: c.7919G>A on transcript NM_001142800.2 (MANE Select); coding-DNA position 7919, G replaced by A.
Protein change: p.Trp2640Ter; replaces tryptophan 2640 with a stop codon.
Molecular consequence: nonsense.
Genome position (GRCh38, 1-based): chr6:63,762,613, C>T on the plus strand (G>A on the coding strand, the complement: EYS is on the minus strand). VCF-style: chr6-63762613-C-T. GRCh37 (hg19) VCF-style: chr6-64472506-C-T.
Other names: c.7919G>A, p.Trp2640Ter (NM_001292009.2); short protein forms W2640*.
Identifiers: ClinVar variation 143112 (VCV000143112.24), dbSNP rs527236066, ClinGen allele CA270065.

ClinVar aggregate classification (germline): Pathogenic. Review status: criteria provided, multiple submitters, no conflicts (2 of 4 stars). 11 submissions from 11 submitters: Pathogenic (9). 2 of the submissions do not count toward it. Last evaluated 2025-11-28.

Conditions:
EYS-related disorder. Also called: EYS-related condition.
Retinal dystrophy. Also called: Inherited retinal dystrophy. Identifiers: Orphanet 71862, MedGen C0854723, MeSH D058499, MONDO:0019118, HP:0000556.
Retinitis pigmentosa (RP). Identifiers: Orphanet 791, MedGen C0035334, MeSH D012174, MONDO:0019200, OMIM 268000. Inheritance: Autosomal dominant, autosomal recessive and X linked inheritance.
Retinitis pigmentosa 25 (RP25). Identifiers: Orphanet 791, MedGen C1864446, MONDO:0011272, OMIM 602772.

Allele frequency attached by ClinVar (database versions not stated): TOPMed below 0.00001; gnomAD exomes 0.00001 and 0.00003; gnomAD 0.00001.
gnomAD v4.1: 9 of 1,549,878 alleles (0.00058%); highest among the groups gnomAD compares: Admixed American, 0.0059%; no homozygotes.

Submissions (11):

Ophthalmology, Kobe City Eye Hospital
Classification: Pathogenic for Retinitis pigmentosa 25. Last evaluated: 2025-11-28. Review status: criteria provided, single submitter. Criteria: Fujinami et al. (Jpn J Ophthalmol. 2024). Collection method: research. Allele origin: germline. Affected: yes. Observed: 3 variant alleles.
Comment: This variant was classified according to the ACMG/AMP guidelines. PVS1_VeryStrong: This null variant is predicted to result in loss of normal protein function, and loss of function is an established disease mechanism for EYS-associated retinitis pigmentosa. PMIDs: 18836446, 20333770. PM2_Moderate: This variant is absent or extremely rare in large population databases such as gnomAD, consistent with a recessive disease mechanism. PM3_VeryStrong: This variant has been observed in confirmed trans configuration with a pathogenic EYS variant in an affected individual from our cohort, meeting the ClinGen criteria for upgrading PM3 to Very Strong. PP1_Supporting: The variant shows cosegregation with disease in multiple affected family members, providing supporting evidence for pathogenicity. Based on PVS1_VeryStrong, PM2_Moderate, PM3_VeryStrong, and PP1_Supporting, this variant is classified as pathogenic.

Natera, Inc.
Classification: Pathogenic for Retinitis pigmentosa type 25. Last evaluated: 2025-07-01. Review status: criteria provided, single submitter. Criteria: Natera Variant Classification Schema (03/2026). Collection method: clinical testing. Allele origin: germline.
Comment: The c.7919G>A variant in EYS is a nonsense variant predicted to introduce a stop codon at amino acid 2640. This variant is expected to result in nonsense mediated decay, truncation, or a dysfunctional protein product. This variant is rare in the general population with a frequency below the threshold expected for the associated phenotype(s). This variant has been observed in one or more individuals affected with the associated recessive disease, as either homozygous or compound heterozygous with a second variant (PMID: 25324289). Given the available evidence, this variant is classified as Pathogenic.

Labcorp Genetics (formerly Invitae), Labcorp
Classification: Pathogenic. Last evaluated: 2025-06-22. Review status: criteria provided, single submitter. Criteria: Invitae Variant Classification Sherloc (09022015). Collection method: clinical testing. Allele origin: germline.
Comment: This sequence change creates a premature translational stop signal (p.Trp2640*) in the EYS gene. It is expected to result in an absent or disrupted protein product. Loss-of-function variants in EYS are known to be pathogenic (PMID: 18836446, 20333770). This variant is present in population databases (rs527236066, gnomAD 0.01%). This premature translational stop signal has been observed in individuals with retinitis pigmentosa (PMID: 18836446, 25753737, 27658286). It has also been observed to segregate with disease in related individuals. ClinVar contains an entry for this variant (Variation ID: 143112). For these reasons, this variant has been classified as Pathogenic.

Revvity Omics, Revvity
Classification: Pathogenic for Retinitis pigmentosa 25. Last evaluated: 2024-11-13. Review status: criteria provided, single submitter. Criteria: ACMG Guidelines, 2015. Collection method: clinical testing. Allele origin: germline.

Blueprint Genetics
Classification: Pathogenic for EYS-related disorders. Last evaluated: 2024-08-08. Review status: criteria provided, single submitter. Criteria: ACMG Guidelines, 2015. Collection method: clinical testing. Allele origin: germline. Affected: yes. Observed: 5 variant alleles.

Myriad Genetics, Inc.
Classification: Pathogenic for Retinitis pigmentosa 25. Last evaluated: 2024-05-14. Review status: criteria provided, single submitter. Criteria: Myriad Autosomal Dominant, Autosomal Recessive and X-Linked Classification Criteria (2023). Collection method: clinical testing. Allele origin: unknown.
Comment: NM_001142800.1(EYS):c.7919G>A(W2640*) is expected to be pathogenic in the context of retinitis pigmentosa, EYS-related. This variant is predicted to lead to an abnormal or absent protein product due to the creation of a premature termination codon in EYS, a gene where loss-of-function variants are known to be pathogenic. Please note: this variant was assessed in the context of healthy population screening.

Baylor Genetics
Classification: Pathogenic for Retinitis pigmentosa 25. Last evaluated: 2024-03-30. Review status: criteria provided, single submitter. Criteria: ACMG Guidelines, 2015. Collection method: clinical testing. Allele origin: unknown.

Fulgent Genetics
Classification: Pathogenic for Retinitis pigmentosa 25. Last evaluated: 2024-03-26. Review status: criteria provided, single submitter. Criteria: ACMG Guidelines, 2015. Collection method: clinical testing. Allele origin: germline.

Dept Of Ophthalmology, Nagoya University
Classification: Pathogenic for Retinal dystrophy. Last evaluated: 2023-10-01. Review status: criteria provided, single submitter. Criteria: Submitter's publication. Collection method: research. Allele origin: germline. Affected: yes.

Joint Genome Diagnostic Labs from Nijmegen and Maastricht, Radboudumc and MUMC+
Classification: Pathogenic for Retinitis pigmentosa 25. Last evaluated: 2016-09-01. Review status: no assertion criteria provided. Collection method: clinical testing. Allele origin: unknown. Affected: yes. Observed: 1 variant allele. Not counted in ClinVar's aggregate classification.

Department of Ophthalmology and Visual Sciences Kyoto University
Classification: Pathogenic for Retinitis pigmentosa. Review status: no assertion criteria provided. Collection method: not provided. Allele origin: unknown. Not counted in ClinVar's aggregate classification.
ClinVar note: Converted during submission from pathogenic to Pathogenic.

Literature cited by the submitters: 18836446, 20333770 (cited by Ophthalmology, Kobe City Eye Hospital); PubMed 25324289 (cited by Natera, Inc.); PubMed 18836446 (cited by Labcorp Genetics (formerly Invitae), Labcorp); PubMed 20333770 (cited by Labcorp Genetics (formerly Invitae), Labcorp); PubMed 25753737 (cited by Labcorp Genetics (formerly Invitae), Labcorp); PubMed 27658286 (cited by Labcorp Genetics (formerly Invitae), Labcorp).